The following is an entry in ClinVar:

ClinVar aggregate classification (germline): Pathogenic (1 of 4 stars; one submission).

Submission:

Quest Diagnostics Nichols Institute San Juan Capistrano
Classification: Pathogenic. Last evaluated: 2022-06-20. Review status: criteria provided, single submitter. Criteria: ACMG/ClinGen CNV Guidelines, 2019. Collection method: clinical testing. Allele origin: unknown.
Comment: This deletion of Xp21.1 includes exons 46-47 of the DMD gene (OMIM 300377, NM_004006.3). Whole gene and intragenic deletions, as well as intragenic duplications and sequence-level mutations, of DMD have been identified in a spectrum of muscle diseases known as the dystrophinopathies; Duchenne Muscular Dystrophy (DMD; OMIM 310200), Becker Muscular Dystrophy (BMD; OMIM 300376), and dilated cardiomyopathy 3B (CMD3B; OMIM 302045), all of which involve progressive deterioration of muscle tissue and resultant weakness. The phenotype is best correlated with the degree of dystrophin protein expression. Reference: Darras et al. Dystrophinopathies. 2000 Sep 5 [Updated 2022 Jan 20]. GeneReviews.

GRCh37/hg19 Xp21.1(chrX:31936034-31952468)x0

Gene: DMD (dystrophin; minus strand). Cytogenetic location: Xp21.1.
Variant type: copy number loss.
Change: copy number 0 of chrX:31,936,034-31,952,468 (16.4 kb, GRCh37 coordinates, 1-based), cytogenetic band Xp21.1.
Identifiers: ClinVar variation 1808709 (VCV001808709.1).